The following is an entry in ClinVar:

NM_016938.5(EFEMP2):c.1228G>C (p.Glu410Gln)

Genes: MUS81 (MUS81 structure-specific endonuclease subunit; plus strand), EFEMP2 (EGF-like fibulin extracellular matrix protein 2; minus strand). Cytogenetic location: 11q13.1.
Variant type: single nucleotide variant.
Coding change: c.1228G>C on transcript NM_016938.5 (MANE Select); coding-DNA position 1228, G replaced by C.
Protein change: p.Glu410Gln; replaces glutamic acid 410 with glutamine.
Molecular consequence: missense variant. On other transcripts: non-coding transcript variant (1).
Genome position (GRCh38, 1-based): chr11:65,867,022, C>G on the plus strand (G>C on the coding strand, the complement: EFEMP2 is on the minus strand). VCF-style: chr11-65867022-C-G. GRCh37 (hg19) VCF-style: chr11-65634493-C-G.
Other names: short protein forms E410Q.
Identifiers: ClinVar variation 1976046 (VCV001976046.5), dbSNP rs2495569896, ClinGen allele CA381349319.
Genomic context (GRCh38, chr11:65,867,022, plus strand): 5'-AGCTGGCCCGGTAGCTCATGAGGGAATTCATGGTGACCATCTCCAGGTCCAGCACGTACT[C>G]CCGGGGGCCCGTCACCGGCCGGGCGAGGACCAGCATGGCGCTGACGTTGTTGATTTGCTG-3'
Protein context (NP_058634.4, residues 400-420): VLARPVTGPR[Glu410Gln]YVLDLEMVTM

ClinVar aggregate classification (germline): Uncertain significance (1 of 4 stars; one submission).

Conditions:
Cutis laxa, autosomal recessive, type 1B (ARCL1B). Also called: EFEMP2-Related Cutis Laxa; CUTIS LAXA, AUTOSOMAL RECESSIVE, TYPE IB. Identifiers: Orphanet 90349, MedGen C3280798, MONDO:0013754, OMIM 614437. Disease mechanism: loss of function.

Submission:

Labcorp Genetics (formerly Invitae), Labcorp
Classification: Uncertain significance for Cutis laxa, autosomal recessive, type 1B. Last evaluated: 2022-01-11. Review status: criteria provided, single submitter. Criteria: Invitae Variant Classification Sherloc (09022015). Collection method: clinical testing. Allele origin: germline.
Comment: In summary, the available evidence is currently insufficient to determine the role of this variant in disease. Therefore, it has been classified as a Variant of Uncertain Significance. Algorithms developed to predict the effect of missense changes on protein structure and function (SIFT, PolyPhen-2, Align-GVGD) all suggest that this variant is likely to be disruptive. This variant has not been reported in the literature in individuals affected with EFEMP2-related conditions. This variant is not present in population databases (gnomAD no frequency). This sequence change replaces glutamic acid, which is acidic and polar, with glutamine, which is neutral and polar, at codon 410 of the EFEMP2 protein (p.Glu410Gln).